The following is an entry in ClinVar:

ClinVar aggregate classification (germline): Uncertain significance. Review status: criteria provided, multiple submitters, no conflicts (2 of 4 stars). 5 submissions from 5 submitters: Uncertain significance (4). 1 of the submissions does not count toward it. Last evaluated 2025-12-17.

Conditions:
Inborn genetic diseases. Identifiers: MedGen C0950123, MeSH D030342.
Neuronal ceroid lipofuscinosis 2. Also called: JANSKY-BIELSCHOWSKY DISEASE NEURONAL CEROID LIPOFUSCINOSIS, LATE INFANTILE; TPP1-Related Neuronal Ceroid-Lipofuscinosis. Identifiers: Orphanet 168491, Orphanet 228349, Orphanet 79264, MedGen C1876161, MONDO:0008769, OMIM 204500.

Allele frequency attached by ClinVar (database versions not stated): TOPMed 0.00001; gnomAD exomes 0.00002; ExAC 0.00003; gnomAD 0.00003.
gnomAD v4.1: 43 of 1,613,954 alleles (0.0027%); highest among the groups gnomAD compares: Non-Finnish European, 0.002%; no homozygotes.

Submissions (6):

Labcorp Genetics (formerly Invitae), Labcorp
Classification: Uncertain significance. Last evaluated: 2025-12-17. Review status: criteria provided, single submitter. Criteria: Invitae Variant Classification Sherloc (09022015). Collection method: clinical testing. Allele origin: germline.
Comment: This sequence change replaces asparagine, which is neutral and polar, with serine, which is neutral and polar, at codon 489 of the TPP1 protein (p.Asn489Ser). This variant is present in population databases (rs751645191, gnomAD 0.02%). This variant has not been reported in the literature in individuals affected with TPP1-related conditions. ClinVar contains an entry for this variant (Variation ID: 408909). Invitae Evidence Modeling of protein sequence and biophysical properties (such as structural, functional, and spatial information, amino acid conservation, physicochemical variation, residue mobility, and thermodynamic stability) indicates that this missense variant is expected to disrupt TPP1 protein function with a positive predictive value of 95%. In summary, the available evidence is currently insufficient to determine the role of this variant in disease. Therefore, it has been classified as a Variant of Uncertain Significance.

Ambry Genetics
Classification: Uncertain significance for Inborn genetic diseases. Last evaluated: 2025-01-21. Review status: criteria provided, single submitter. Criteria: Ambry Variant Classification Scheme 2023. Collection method: clinical testing. Allele origin: germline.

Blueprint Genetics
Classification: Uncertain significance. Last evaluated: 2024-04-03. Review status: criteria provided, single submitter. Criteria: ACMG Guidelines, 2015. Collection method: clinical testing. Allele origin: germline.

Revvity Omics, Revvity
Classification: Uncertain significance. Last evaluated: 2022-03-30. Review status: criteria provided, single submitter. Criteria: ACMG Guidelines, 2015. Collection method: clinical testing. Allele origin: germline.

Natera, Inc.
Classification: Uncertain significance for Neuronal ceroid lipofuscinosis 2. Last evaluated: 2019-11-11. Review status: no assertion criteria provided. Collection method: clinical testing. Allele origin: germline. Not counted in ClinVar's aggregate classification.

Dr. Peter K. Rogan Lab, Western University
No classification provided (evidence only). Condition: Lung cancer. Review status: no classification provided. Collection method: in vitro. Allele origin: not applicable. Functional consequence: retained intron. Not counted in ClinVar's aggregate classification.

NM_000391.4(TPP1):c.1466A>G (p.Asn489Ser)

Gene: TPP1 (tripeptidyl peptidase 1; minus strand). Cytogenetic location: 11p15.4.
Variant type: single nucleotide variant.
Coding change: c.1466A>G on transcript NM_000391.4 (MANE Select); coding-DNA position 1466, A replaced by G.
Protein change: p.Asn489Ser; replaces asparagine 489 with serine.
Molecular consequence: missense variant.
Genome position (GRCh38, 1-based): chr11:6,614,951, T>C on the plus strand (A>G on the coding strand, the complement: TPP1 is on the minus strand). VCF-style: chr11-6614951-T-C. GRCh37 (hg19) VCF-style: chr11-6636182-T-C.
Other names: short protein forms N489S.
Identifiers: ClinVar variation 408909 (VCV000408909.14), dbSNP rs751645191, ClinGen allele CA5858640.